The following is an entry in ClinVar:

ClinVar aggregate classification (germline): Pathogenic (1 of 4 stars; one submission).

Conditions:
Inborn genetic diseases. Identifiers: MedGen C0950123, MeSH D030342.

Submission:

Ambry Genetics
Classification: Pathogenic for Hereditary disease. Last evaluated: 2017-05-10. Review status: criteria provided, single submitter. Criteria: ambry_reporting_categories_2017. Collection method: clinical testing. Allele origin: germline. Affected: yes. Observed: 1 heterozygote. Segregation with disease observed.
Comment: Lines of evidence used in support of classification: POSITIVE: Relevant Alteration(s) Detected

Literature cited by the submitters: PubMed 26250472; PubMed 1971141; PubMed 22791362; PubMed 25604898; PubMed 26358419; PubMed 10353778; PubMed 9724608; PubMed 26626311; PubMed 20513134; PubMed 20179744; PubMed 12848929; PubMed 26345137; PubMed 12925722.

NM_001844.5(COL2A1):c.1388_1996-108del

Gene: COL2A1 (collagen type II alpha 1 chain; minus strand). Cytogenetic location: 12q13.11.
Variant type: Deletion.
Coding change: c.1388_1996-108del on transcript NM_001844.5 (MANE Select); coding-DNA position 1388 through 108 bases into the intron before coding-DNA position 1996, 3,321 bases deleted.
Molecular consequence: splice acceptor variant, splice donor variant.
Genome position (GRCh38, 1-based): chr12:47,983,546-47,986,866, 3,321 bases deleted. GRCh37 (hg19): chr12:48,377,335-48,380,655.
Other names: c.1181_1789-108del (NM_033150.3).
Identifiers: ClinVar variation 521694 (VCV000521694.3), ClinGen allele CA658797886.